The following is an entry in ClinVar:

ClinVar aggregate classification (germline): Likely pathogenic (1 of 4 stars; one submission).

Conditions:
Intellectual developmental disorder, X-linked, syndromic, Claes-Jensen type. Also called: Syndromic X-linked intellectual disability Claes-Jensen type; INTELLECTUAL DEVELOPMENTAL DISORDER, X-LINKED, SYNDROMIC 16; MENTAL RETARDATION, X-LINKED, SYNDROMIC 16. Identifiers: Orphanet 85279, MedGen C1845243, MONDO:0010355, OMIM 300534.

Submission:

Institute of Human Genetics, University of Leipzig Medical Center
Classification: Likely pathogenic for Intellectual developmental disorder, X-linked, syndromic, Claes-Jensen type. Last evaluated: 2026-03-18. Review status: criteria provided, single submitter. Criteria: ACMG Guidelines, 2015. Collection method: clinical testing. Allele origin: unknown. Inheritance: X-linked recessive inheritance. Affected: yes.
Comment: Criteria applied: PVS1_STR,PM2

NM_004187.5(KDM5C):c.1242+26_1747-3685del

Gene: KDM5C (lysine demethylase 5C; minus strand). Cytogenetic location: Xp11.22.
Variant type: Deletion.
Coding change: c.1242+26_1747-3685del on transcript NM_004187.5 (MANE Select); 26 bases into the intron after coding-DNA position 1242 through 3685 bases into the intron before coding-DNA position 1747, 6,104 bases deleted.
Molecular consequence: splice acceptor variant, splice donor variant.
Genome position (GRCh38, 1-based): chrX:53,205,658-53,211,761, 6,104 bases deleted. GRCh37 (hg19): chrX:53,234,841-53,240,944.
Other names: c.1239+26_1744-3685del (NM_001282622.3, NM_001353982.2, NM_001353979.2); c.1242+26_1747-3685del (NM_001353978.3, NM_001353981.2, NM_001353984.2); c.1041+26_1546-3685del (NM_001146702.2).
Identifiers: ClinVar variation 4845394 (VCV004845394.1).